The following is an entry in ClinVar:

NM_004655.4(AXIN2):c.1992G>A (p.Gly664=)

Gene: AXIN2 (axin 2; minus strand). Cytogenetic location: 17q24.1.
Variant type: single nucleotide variant.
Coding change: c.1992G>A on transcript NM_004655.4 (MANE Select); coding-DNA position 1992, G replaced by A.
Protein change: p.Gly664=; no amino-acid change (glycine 664 retained).
Molecular consequence: synonymous variant.
Genome position (GRCh38, 1-based): chr17:65,536,469, C>T on the plus strand (G>A on the coding strand, the complement: AXIN2 is on the minus strand). VCF-style: chr17-65536469-C-T. GRCh37 (hg19) VCF-style: chr17-63532587-C-T.
Other names: c.1797G>A, p.Gly599= (NM_001363813.1).
Identifiers: ClinVar variation 1103424 (VCV001103424.12), dbSNP rs776430866, ClinGen allele CA501690971.

ClinVar aggregate classification (germline): Benign/Likely benign. Review status: criteria provided, multiple submitters, no conflicts (2 of 4 stars). 3 submissions from 3 submitters: Benign (1); Likely benign (2). Last evaluated 2025-04-30.

Conditions:
Hereditary cancer-predisposing syndrome. Also called: Tumor predisposition; Neoplastic Syndromes, Hereditary; Hereditary Cancer Syndrome; Hereditary neoplastic syndrome. Identifiers: Orphanet 140162, MedGen C0027672, MeSH D009386, MONDO:0015356.
Oligodontia-cancer predisposition syndrome. Also called: TOOTH AGENESIS-COLORECTAL CANCER SYNDROME. Identifiers: Orphanet 300576, MedGen C1837750, MONDO:0012075, OMIM 608615. Disease mechanism: loss of function.

Allele frequency attached by ClinVar (database versions not stated): gnomAD exomes below 0.00001; TOPMed 0.00001.

Submissions (3):

Labcorp Genetics (formerly Invitae), Labcorp
Classification: Likely benign for Oligodontia-cancer predisposition syndrome. Last evaluated: 2025-04-30. Review status: criteria provided, single submitter. Criteria: Invitae Variant Classification Sherloc (09022015). Collection method: clinical testing. Allele origin: germline.

Myriad Genetics, Inc.
Classification: Benign for Oligodontia-cancer predisposition syndrome. Last evaluated: 2024-07-09. Review status: criteria provided, single submitter. Criteria: Myriad Autosomal Dominant, Autosomal Recessive and X-Linked Classification Criteria (2023). Collection method: clinical testing. Allele origin: unknown.
Comment: This variant is considered benign. This variant is a silent/synonymous amino acid change and it is not expected to impact splicing.

Ambry Genetics
Classification: Likely benign for Hereditary cancer-predisposing syndrome. Last evaluated: 2021-12-15. Review status: criteria provided, single submitter. Criteria: Ambry Variant Classification Scheme 2023. Collection method: clinical testing. Allele origin: germline.